The following is an entry in ClinVar:

NM_024577.4(SH3TC2):c.505T>C (p.Tyr169His)

Gene: SH3TC2 (SH3 domain and tetratricopeptide repeats 2; minus strand). Cytogenetic location: 5q32.
Variant type: single nucleotide variant.
Coding change: c.505T>C on transcript NM_024577.4 (MANE Select); coding-DNA position 505, T replaced by C.
Protein change: p.Tyr169His; replaces tyrosine 169 with histidine.
Molecular consequence: missense variant.
Genome position (GRCh38, 1-based): chr5:149,042,718, A>G on the plus strand (T>C on the coding strand, the complement: SH3TC2 is on the minus strand). VCF-style: chr5-149042718-A-G. GRCh37 (hg19) VCF-style: chr5-148422281-A-G.
Other names: short protein forms Y169H.
Identifiers: ClinVar variation 2485 (VCV000002485.89), dbSNP rs80359890, ClinGen allele CA115576.

ClinVar aggregate classification (germline): Conflicting classifications of pathogenicity. Review status: criteria provided, conflicting classifications (1 of 4 stars). 24 submissions from 23 submitters: Likely pathogenic (1); Uncertain significance (6); Likely benign (10). 7 of the submissions do not count toward it. Last evaluated 2026-09-01.

Conditions:
Inborn genetic diseases. Identifiers: MedGen C0950123, MeSH D030342.
SH3TC2-related disorder. Also called: SH3TC2-related disorders; SH3TC2-related condition. Identifiers: MedGen CN239303.
Charcot-Marie-Tooth disease. Also called: Charcot-Marie-Tooth Neuropathy; Charcot-Marie-Tooth Hereditary Neuropathy. Identifiers: Orphanet 166, MedGen C0007959, MONDO:0015626.
Charcot-Marie-Tooth disease type 4. Also called: Charcot-Marie-Tooth disease, type IV; Charcot-Marie-Tooth, Type 4. Identifiers: Orphanet 64749, MedGen C4082197, MONDO:0018995.
Charcot-Marie-Tooth disease type 4C (CMT4C). Also called: CHARCOT-MARIE-TOOTH DISEASE, DEMYELINATING, AUTOSOMAL RECESSIVE, TYPE 4C; CHARCOT-MARIE-TOOTH DISEASE, DEMYELINATING, TYPE 4C; CMT 4C; SH3TC2-Related Hereditary Motor and Sensory Neuropathy; Charcot-Marie-Tooth Neuropathy Type 4C (CMT4C). Identifiers: Orphanet 99949, MedGen C1866636, MONDO:0011113, OMIM 601596.
Susceptibility to mononeuropathy of the median nerve, mild. Also called: CARPAL TUNNEL SYNDROME, SUSCEPTIBILITY TO. Identifiers: MedGen C3150596, MONDO:0013237, OMIM 613353.
Tip-toe gait. Also called: Toe walking. Identifiers: MedGen C0427144, HP:0030051.
Decreased muscle mass. Identifiers: MedGen C1837108, HP:0003199.
Arthrogryposis multiplex congenita (AMC). Also called: Congenital multiple arthrogryposis; Fibrous ankylosis of multiple joints; Congenital arthromyodysplasia; Myodystrophia fetalis deformans; Otto syndrome; Rocher-Sheldon syndrome. Identifiers: Orphanet 1037, MedGen C5779613, MeSH D001176, MONDO:0015168, HP:0002804.
Scoliosis. Identifiers: MedGen C0036439, MONDO:0005392, HP:0002650.
Congenital contracture. Also called: Congenital contractures. Identifiers: MedGen C0332878, MONDO:0022823, HP:0002803.
Upper limb undergrowth. Identifiers: MedGen C1837406, HP:0009824.
Hemihypertrophy. Identifiers: MedGen C0332890, HP:0001528.
Short lower limbs. Identifiers: MedGen C0426901, HP:0006385.

Allele frequency attached by ClinVar (database versions not stated): ExAC 0.00151; gnomAD 0.00196 and 0.00205; 1000 Genomes Project 0.00020; TOPMed 0.00159; gnomAD exomes 0.00164 and 0.00259; 1000 Genomes Project 30x 0.00031.
gnomAD v4.1: 4,027 of 1,614,120 alleles (0.25%); highest among the groups gnomAD compares: Non-Finnish European, 0.31%; 5 homozygotes.

Submissions 1 to 11 of 24:

CeGaT Center for Human Genetics Tuebingen
Classification: Likely benign. Last evaluated: 2026-09-01. Review status: criteria provided, single submitter. Criteria: CeGaT Center For Human Genetics Tuebingen Variant Classification Criteria Version 2. Collection method: clinical testing. Allele origin: germline. Affected: yes. Observed: 15 variant alleles.
Comment: SH3TC2: BS2

PreventionGenetics, part of Exact Sciences
Classification: Likely benign for SH3TC2-related condition. Last evaluated: 2026-04-06. Review status: criteria provided, single submitter. Criteria: ACMG Guidelines, 2015. Collection method: clinical testing. Allele origin: germline.
Comment: This variant is classified as likely benign based on ACMG/AMP sequence variant interpretation guidelines (Richards et al. 2015 PMID: 25741868, with internal and published modifications).

Labcorp Genetics (formerly Invitae), Labcorp
Classification: Likely benign for Charcot-Marie-Tooth disease type 4. Last evaluated: 2026-02-01. Review status: criteria provided, single submitter. Criteria: Invitae Variant Classification Sherloc (09022015). Collection method: clinical testing. Allele origin: germline.

Women's Health and Genetics/Laboratory Corporation of America, LabCorp
Classification: Likely benign. Last evaluated: 2025-10-28. Review status: criteria provided, single submitter. Criteria: LabCorp Variant Classification Summary - May 2015. Collection method: clinical testing. Allele origin: germline.
Comment: Variant summary: SH3TC2 c.505T>C (p.Tyr169His) results in a conservative amino acid change in the encoded protein sequence. Algorithms developed to predict the effect of missense changes on protein structure and function are either unavailable or do not agree on the potential impact of this missense change. The variant allele was found at a frequency of 0.0016 in 251456 control chromosomes, predominantly at a frequency of 0.003 within the Non-Finnish European subpopulation in the gnomAD database. The observed variant frequency within Non-Finnish European control individuals in the gnomAD database exceeds the estimated maximal expected allele frequency for disease-causing variants in SH3TC2. c.505T>C has been observed in individuals affected with Charcot-Marie-Tooth disease type 4C (Lupski_2010). However, co-occurrence with a pathogenic variant in cis was later reported in this family (SH3TC2 c.1A>G, p.Met1Val), providing supporting evidence for a benign role (Lupski_2013). To our knowledge, no experimental evidence demonstrating an impact on protein function has been reported. The following publications have been ascertained in the context of this evaluation (PMID: 20220177, 23806086). ClinVar contains an entry for this variant (Variation ID: 2485). Based on the evidence outlined above, the variant was classified as likely benign.

Mayo Clinic Laboratories, Mayo Clinic
Classification: Likely benign. Last evaluated: 2025-01-29. Review status: criteria provided, single submitter. Criteria: ACMG Guidelines, 2015. Collection method: clinical testing. Allele origin: germline. Observed: 9 variant alleles.
Comment: BS1

ARUP Laboratories, Molecular Genetics and Genomics, ARUP Laboratories
Classification: Likely benign. Last evaluated: 2024-12-12. Review status: criteria provided, single submitter. Criteria: ARUP Molecular Germline Variant Investigation Process 2024. Collection method: clinical testing. Allele origin: germline.

Blueprint Genetics
Classification: Uncertain significance. Last evaluated: 2024-11-20. Review status: criteria provided, single submitter. Criteria: ACMG Guidelines, 2015. Collection method: clinical testing. Allele origin: germline.

GeneDx
Classification: Likely benign. Last evaluated: 2022-04-12. Review status: criteria provided, single submitter. Criteria: GeneDx Variant Classification Process June 2021. Collection method: clinical testing. Allele origin: germline. Affected: yes.
Comment: In silico analysis supports that this missense variant does not alter protein structure/function; This variant is associated with the following publications: (PMID: no PMID, 23224362, 31111683, 23806086, 23293578, 20689565, 21331778, 23281072, 26392352, 29321516, 20220177, 26794302, 34426522, 32376792, 27535533, 21291453)

Victorian Clinical Genetics Services, Murdoch Childrens Research Institute
Classification: Uncertain significance for Charcot-Marie-Tooth disease type 4C. Last evaluated: 2022-02-02. Review status: criteria provided, single submitter. Criteria: ACMG Guidelines, 2015. Collection method: clinical testing. Allele origin: germline.
Comment: Based on the classification scheme VCGS_Germline_v1.3.4, this variant is classified as VUS-3C. Following criteria are met: 0102 - Loss of function is a known mechanism of disease in this gene and is associated with Charcot-Marie-Tooth disease, type 4C (CMT) (MIM#601596). The mechanism of disease for mild mononeuropathy of the median nerve (MIM#613353) is unknown, but gain of function has been suggested (PMID: 20220177). (I) 0108 - This gene is associated with both recessive and dominant disease. CMT is caused by biallelic variants, while autosomal dominant mild mononeuropathy of the median nerve is rare and has been reported in one family (OMIM, PMID: 20220177). (I) 0200 - Variant is predicted to result in a missense amino acid change from tyrosine to histidine. (I) 0251 - This variant is heterozygous. (I) 0304 - Variant is present in gnomAD (v2) <0.01 for a recessive condition (293 heterozygotes, 2 homozygotes). (SP) 0502 - Missense variant with conflicting in silico predictions and uninformative conservation. (I) 0604 - Variant is not located in an established domain, motif, hotspot or informative constraint region. (I) 0808 - Previous reports of pathogenicity for this variant are conflicting. This variant has conflicting reports from likely benign to likely pathogenic in ClinVar. This variant has been reported in the compound heterozygous state in one patient with CMT (PMID: 21291453) as well as two heterozygous individuals with CMT where both individuals also harboured likely pathogenic or pathogenic variants in other genes (PMID: 26392352). This variant has also been reported in heterozygous state in a proband with a confirmed genetic diagnosis of infantile spinal muscular atrophy. The variant was inherited from the healthy father (PMID: 26794302). (I) 0906 - Segregation evidence for this variant is inconclusive. This variant was originally reported in a family with four affected children, all showing compound heterozygosity for this variant and a nonsense variant. In a follow up study on the same family, an additional start-loss variant was identified in cis with this variant. Therefore, although this variant segregated with disease in this family, it is unknown if it contributes to the phenotype (PMID: 20220177). (I) 1007 - No published functional evidence has been identified for this variant. (I) 0705 - No comparable missense variants have previous evidence for pathogenicity. (I) Legend: (SP) - Supporting pathogenic, (I) - Information, (SB) - Supporting benign

Ambry Genetics
Classification: Likely benign for Inborn genetic diseases. Last evaluated: 2021-11-02. Review status: criteria provided, single submitter. Criteria: Ambry Variant Classification Scheme 2023. Collection method: clinical testing. Allele origin: germline.

Athena Diagnostics
Classification: Likely benign. Last evaluated: 2021-04-06. Review status: criteria provided, single submitter. Criteria: Athena Diagnostics criteria. Collection method: clinical testing. Allele origin: unknown.